The following is an entry in ClinVar:

ClinVar aggregate classification (germline): Uncertain significance (1 of 4 stars; one submission).

Conditions:
Congenital insensitivity to pain-hypohidrosis syndrome. Also called: Neuropathy, hereditary sensory and autonomic, type VIII; HSAN VIII. Identifiers: Orphanet 478664, MedGen C4225308, MONDO:0014662, OMIM 616488.

Allele frequency attached by ClinVar (database versions not stated): gnomAD exomes below 0.00001; TOPMed below 0.00001.
gnomAD v4.1: 1 of 1,205,544 alleles (0.000083%); highest among the groups gnomAD compares: Admixed American, 0.0044%; no homozygotes.

Submission:

Labcorp Genetics (formerly Invitae), Labcorp
Classification: Uncertain significance for Congenital insensitivity to pain-hypohidrosis syndrome. Last evaluated: 2022-10-24. Review status: criteria provided, single submitter. Criteria: Invitae Variant Classification Sherloc (09022015). Collection method: clinical testing. Allele origin: germline.
Comment: This sequence change replaces proline, which is neutral and non-polar, with threonine, which is neutral and polar, at codon 335 of the PRDM12 protein (p.Pro335Thr). The frequency data for this variant in the population databases is considered unreliable, as metrics indicate insufficient coverage at this position in the gnomAD database. This variant has not been reported in the literature in individuals affected with PRDM12-related conditions. ClinVar contains an entry for this variant (Variation ID: 571567). Algorithms developed to predict the effect of missense changes on protein structure and function are either unavailable or do not agree on the potential impact of this missense change (SIFT: "Deleterious"; PolyPhen-2: "Not Available"; Align-GVGD: "Class C0"). In summary, the available evidence is currently insufficient to determine the role of this variant in disease. Therefore, it has been classified as a Variant of Uncertain Significance.

NM_021619.3(PRDM12):c.1003C>A (p.Pro335Thr)

Gene: PRDM12 (PR/SET domain 12; plus strand). Cytogenetic location: 9q34.12.
Variant type: single nucleotide variant.
Coding change: c.1003C>A on transcript NM_021619.3 (MANE Select); coding-DNA position 1003, C replaced by A.
Protein change: p.Pro335Thr; replaces proline 335 with threonine.
Molecular consequence: missense variant.
Genome position (GRCh38, 1-based): chr9:130,681,568, C>A. VCF-style: chr9-130681568-C-A. GRCh37 (hg19) VCF-style: chr9-133556955-C-A.
Other names: short protein forms P335T.
Identifiers: ClinVar variation 571567 (VCV000571567.6), dbSNP rs1564249834, ClinGen allele CA375245155.